The following is an entry in ClinVar:

ClinVar aggregate classification (germline): Pathogenic (1 of 4 stars; one submission).

Conditions:
Familial cancer of breast. Also called: BREAST CANCER, FAMILIAL; Hereditary breast cancer; hereditary breast carcinoma. Identifiers: Orphanet 227535, MedGen C0346153, MONDO:0016419, OMIM 114480. Disease mechanism: loss of function.

Submission:

Labcorp Genetics (formerly Invitae), Labcorp
Classification: Pathogenic for Familial cancer of breast. Last evaluated: 2023-06-20. Review status: criteria provided, single submitter. Criteria: Invitae Variant Classification Sherloc (09022015). Collection method: clinical testing. Allele origin: unknown.
Comment: For these reasons, this variant has been classified as Pathogenic. This variant has not been reported in the literature in individuals affected with BARD1-related conditions. This variant is a gross deletion of the genomic region encompassing exon(s) 3 of the BARD1 gene. This deletion is out-of-frame, and is expected to create a premature termination codon and result in an absent or disrupted protein product. Loss-of-function variants in BARD1 are known to be pathogenic (PMID: 20077502, 21344236).

Literature cited by the submitters: PubMed 20077502; PubMed 21344236.

NC_000002.11:g.(?_215657011)_(215657179_?)del

Gene: BARD1 (BRCA1 associated RING domain 1; minus strand). Cytogenetic location: 2q35.
Variant type: Deletion.
Identifiers: ClinVar variation 3247170 (VCV003247170.1).